The following is an entry in ClinVar:

NM_000186.4(CFH):c.1142C>T (p.Pro381Leu)

Gene: CFH (complement factor H; plus strand). Cytogenetic location: 1q31.3.
Variant type: single nucleotide variant.
Coding change: c.1142C>T on transcript NM_000186.4 (MANE Select); coding-DNA position 1142, C replaced by T.
Protein change: p.Pro381Leu; replaces proline 381 with leucine.
Molecular consequence: missense variant.
Genome position (GRCh38, 1-based): chr1:196,689,597, C>T. VCF-style: chr1-196689597-C-T. GRCh37 (hg19) VCF-style: chr1-196658727-C-T.
Other names: c.1142C>T, p.Pro381Leu (NM_001014975.3); short protein forms P381L.
Identifiers: ClinVar variation 2304323 (VCV002304323.6), dbSNP rs1170069737, ClinGen allele CA343980226.

ClinVar aggregate classification (germline): Uncertain significance. Review status: criteria provided, multiple submitters, no conflicts (2 of 4 stars). 2 submissions from 2 submitters: Uncertain significance (2). Last evaluated 2025-08-12.

Conditions:
Inborn genetic diseases. Identifiers: MedGen C0950123, MeSH D030342.

Allele frequency attached by ClinVar (database versions not stated): gnomAD exomes below 0.00001; gnomAD 0.00001; TOPMed 0.00001.
gnomAD v4.1: 7 of 1,613,230 alleles (0.00043%); highest among the groups gnomAD compares: African/African-American, 0.0013%; no homozygotes.

Submissions (2):

Ambry Genetics
Classification: Uncertain significance for Inborn genetic diseases. Last evaluated: 2025-08-12. Review status: criteria provided, single submitter. Criteria: Ambry Variant Classification Scheme 2023. Collection method: clinical testing. Allele origin: germline.

Labcorp Genetics (formerly Invitae), Labcorp
Classification: Uncertain significance. Last evaluated: 2023-08-17. Review status: criteria provided, single submitter. Criteria: Invitae Variant Classification Sherloc (09022015). Collection method: clinical testing. Allele origin: germline.
Comment: In summary, the available evidence is currently insufficient to determine the role of this variant in disease. Therefore, it has been classified as a Variant of Uncertain Significance. Algorithms developed to predict the effect of sequence changes on RNA splicing suggest that this variant may disrupt the consensus splice site. An algorithm developed to predict the effect of missense changes on protein structure and function (PolyPhen-2) suggests that this variant is likely to be disruptive. ClinVar contains an entry for this variant (Variation ID: 2304323). This variant has not been reported in the literature in individuals affected with CFH-related conditions. This variant is not present in population databases (gnomAD no frequency). This sequence change replaces proline, which is neutral and non-polar, with leucine, which is neutral and non-polar, at codon 381 of the CFH protein (p.Pro381Leu).